The following is an entry in ClinVar:

NM_033028.5(BBS4):c.1385T>C (p.Leu462Pro)

Gene: BBS4 (Bardet-Biedl syndrome 4; plus strand). Cytogenetic location: 15q24.1.
Variant type: single nucleotide variant.
Coding change: c.1385T>C on transcript NM_033028.5 (MANE Select); coding-DNA position 1385, T replaced by C.
Protein change: p.Leu462Pro; replaces leucine 462 with proline.
Molecular consequence: missense variant. On other transcripts: non-coding transcript variant (2).
Genome position (GRCh38, 1-based): chr15:72,736,898, T>C. VCF-style: chr15-72736898-T-C. GRCh37 (hg19) VCF-style: chr15-73029239-T-C.
Other names: p.Leu462Pro; c.869T>C, p.Leu290Pro (NM_001252678.2); c.1316T>C, p.Leu439Pro (NM_001320665.2); short protein forms L290P, L439P, L462P.
Identifiers: ClinVar variation 4819424 (VCV004819424.1).

ClinVar aggregate classification (germline): Uncertain significance (1 of 4 stars; one submission).

Conditions:
Bardet-Biedl syndrome 4 (BBS4). Identifiers: Orphanet 110, MedGen C2936864, MONDO:0014433, OMIM 615982.

gnomAD v4.1: 4 of 1,614,230 alleles (0.00025%); highest among the groups gnomAD compares: Non-Finnish European, 0.00025%; no homozygotes.

Submission:

Department of Molecular Genetics, Istishari Arab Hospital
Classification: Uncertain significance for Bardet-Biedl syndrome 4. Last evaluated: 2026-04-07. Review status: criteria provided, single submitter. Criteria: ACMG Guidelines, 2015. Collection method: clinical testing. Allele origin: germline. Inheritance: Autosomal recessive inheritance. Affected: yes.
Comment: The BBS4 variant c.1385T>C, p.Leu462Pro creates an amino acid change from Leu to Pro at position 462. The variant is observed with very low frequency in the gnomAD v4.1.0 dataset (<0.001), and to the best of our knowledge, it was not previously reported in the literature. It is classified as a variant of uncertain significance according to the recommendations of ACMG/AMP/ClinGen SVI guidelines.